The following is an entry in ClinVar:

NM_000191.3(HMGCL):c.874_876+31del

Gene: HMGCL (3-hydroxy-3-methylglutaryl-CoA lyase; minus strand). Cytogenetic location: 1p36.11.
Variant type: Deletion.
Coding change: c.874_876+31del on transcript NM_000191.3 (MANE Select); coding-DNA position 874 through 31 bases into the intron after coding-DNA position 876, 34 bases deleted.
Molecular consequence: splice donor variant.
Genome position (GRCh38, 1-based): chr1:23,804,369-23,804,402, 34 bases deleted; deleting any 34 consecutive bases within chr1:23,804,369-23,804,403 gives the same sequence; the c. name uses the placement nearest the transcript's 3' end. GRCh37 (hg19): chr1:24,130,860-24,130,893.
Other names: c.661_663+31del (NM_001166059.2).
Identifiers: ClinVar variation 2096036 (VCV002096036.4), dbSNP rs2521380537, ClinGen allele CA2580061685.
Genomic context (GRCh38, chr1:23,804,368, plus strand): 5'-ACAACCCCAAATACCCCCATCCACTTTTGTTCTCAGCTTCAGGCCCCCTGGTCAGTTCGG[GGCTGTCGCCACCAGGGGGTGGGTGGGCTTACCGT>G]GTGAATGCCCAAGCCCTCTAGCATGTAGACCAGGTCTTCTGTGGCCAAGTTTCCTGATGC-3'

ClinVar aggregate classification (germline): Pathogenic (1 of 4 stars; one submission).

Conditions:
Deficiency of hydroxymethylglutaryl-CoA lyase (HMGCLD). Also called: HMGCL DEFICIENCY; HYDROXYMETHYLGLUTARIC ACIDURIA; Defect in leucine metabolism; 3-hydroxy-3-methylglutaric aciduria; HMG-CoA LYASE DEFICIENCY. Identifiers: Orphanet 20, MedGen C1533587, MONDO:0009520, OMIM 246450.

Submission:

Labcorp Genetics (formerly Invitae), Labcorp
Classification: Pathogenic for Deficiency of hydroxymethylglutaryl-CoA lyase. Last evaluated: 2022-07-19. Review status: criteria provided, single submitter. Criteria: Invitae Variant Classification Sherloc (09022015). Collection method: clinical testing. Allele origin: germline.
Comment: For these reasons, this variant has been classified as Pathogenic. This variant disrupts a region of the HMGCL protein in which other variant(s) (p.Phe305Tyrfs*10) have been determined to be pathogenic (PMID: 2443756, 6085636, 9463337; Invitae). This suggests that this is a clinically significant region of the protein, and that variants that disrupt it are likely to be disease-causing. Variants that disrupt the consensus splice site are a relatively common cause of aberrant splicing (PMID: 17576681, 9536098). Algorithms developed to predict the effect of sequence changes on RNA splicing suggest that this variant may disrupt the consensus splice site. This variant has not been reported in the literature in individuals affected with HMGCL-related conditions. This variant is not present in population databases (gnomAD no frequency). This variant results in the deletion of part of exon 8 (c.874_876+31del) of the HMGCL gene. While this variant is not anticipated to result in nonsense mediated decay, it likely alters RNA splicing and results in a disrupted protein product.

Literature cited by the submitters: PubMed 2443756; PubMed 6085636; PubMed 9463337; PubMed 17576681; PubMed 9536098.